The following is an entry in ClinVar:

NM_020631.6(PLEKHG5):c.889G>A (p.Asp297Asn)

Gene: PLEKHG5 (pleckstrin homology and RhoGEF domain containing G5; minus strand). Cytogenetic location: 1p36.31.
Variant type: single nucleotide variant.
Coding change: c.889G>A on transcript NM_020631.6 (MANE Select); coding-DNA position 889, G replaced by A.
Protein change: p.Asp297Asn; replaces aspartic acid 297 with asparagine.
Molecular consequence: missense variant.
Genome position (GRCh38, 1-based): chr1:6,473,081, C>T on the plus strand (G>A on the coding strand, the complement: PLEKHG5 is on the minus strand). VCF-style: chr1-6473081-C-T. GRCh37 (hg19) VCF-style: chr1-6533141-C-T.
Other names: c.1000G>A, p.Asp334Asn (NM_001042663.3, NM_001265592.2); c.889G>A, p.Asp297Asn (NM_001042664.2, NM_001042665.2, NM_001265594.3 and 1 more transcripts); c.1096G>A, p.Asp366Asn (NM_001265593.2); short protein forms D366N, D297N, D334N.
Identifiers: ClinVar variation 1047328 (VCV001047328.9), dbSNP rs1644643276, ClinGen allele CA338134457.

ClinVar aggregate classification (germline): Uncertain significance (1 of 4 stars; one submission).

Conditions:
Neuronopathy, distal hereditary motor, autosomal recessive 4. Also called: NEUROPATHY, DISTAL HEREDITARY MOTOR, AUTOSOMAL RECESSIVE 4; Autosomal recessive lower motor neuron disease with childhood onset. Identifiers: Orphanet 206580, MedGen C1970211, MONDO:0012608, OMIM 611067.
Charcot-Marie-Tooth disease recessive intermediate C. Also called: CHARCOT-MARIE-TOOTH NEUROPATHY, RECESSIVE INTERMEDIATE C. Identifiers: Orphanet 369867, MedGen C3809309, MONDO:0014154, OMIM 615376.

Submission:

Labcorp Genetics (formerly Invitae), Labcorp
Classification: Uncertain significance for Neuronopathy, distal hereditary motor, autosomal recessive 4; Charcot-Marie-Tooth disease recessive intermediate C. Last evaluated: 2020-10-08. Review status: criteria provided, single submitter. Criteria: Invitae Variant Classification Sherloc (09022015). Collection method: clinical testing. Allele origin: germline.
Comment: This sequence change replaces aspartic acid with asparagine at codon 297 of the PLEKHG5 protein (p.Asp297Asn). The aspartic acid residue is moderately conserved and there is a small physicochemical difference between aspartic acid and asparagine. This variant is not present in population databases (ExAC no frequency). This variant has not been reported in the literature in individuals with PLEKHG5-related conditions. Algorithms developed to predict the effect of missense changes on protein structure and function are either unavailable or do not agree on the potential impact of this missense change (SIFT: "Tolerated"; PolyPhen-2: "Probably Damaging"; Align-GVGD: "Class C0"). In summary, the available evidence is currently insufficient to determine the role of this variant in disease. Therefore, it has been classified as a Variant of Uncertain Significance.